The following is an entry in ClinVar:

ClinVar aggregate classification (germline): Likely benign (0 of 4 stars; one submission).

Conditions:
MYCBP2-related disorder. Also called: MYCBP2-related condition.

Allele frequency attached by ClinVar (database versions not stated): 1000 Genomes Project 0.00020; ExAC 0.00034; gnomAD 0.00040; TOPMed 0.00043; 1000 Genomes Project 30x 0.00047; ESP Exome Variant Server 0.00054.
gnomAD v4.1: 1,239 of 1,612,654 alleles (0.077%); highest among the groups gnomAD compares: Non-Finnish European, 0.097%; 1 homozygote.

Submission:

PreventionGenetics, part of Exact Sciences
Classification: Likely benign for MYCBP2-related condition. Last evaluated: 2019-10-28. Review status: no assertion criteria provided. Collection method: clinical testing. Allele origin: germline.
Comment: This variant is classified as likely benign based on ACMG/AMP sequence variant interpretation guidelines (Richards et al. 2015 PMID: 25741868, with internal and published modifications).

NM_015057.5(MYCBP2):c.4942-4G>A

Gene: MYCBP2 (MYC binding protein 2; minus strand). Cytogenetic location: 13q22.3.
Variant type: single nucleotide variant.
Coding change: c.4942-4G>A on transcript NM_015057.5 (MANE Select); 4 bases into the intron before coding-DNA position 4942, G replaced by A.
Molecular consequence: intron variant.
Genome position (GRCh38, 1-based): chr13:77,180,322, C>T on the plus strand (G>A on the coding strand, the complement: MYCBP2 is on the minus strand). VCF-style: chr13-77180322-C-T. GRCh37 (hg19) VCF-style: chr13-77754457-C-T.
Identifiers: ClinVar variation 3041832 (VCV003041832.2), dbSNP rs200361515, ClinGen allele CA7009598.